The following is an entry in ClinVar:

NM_000388.4(CASR):c.2143C>A (p.His715Asn)

Gene: CASR (calcium sensing receptor; plus strand). Cytogenetic location: 3q21.1.
Variant type: single nucleotide variant.
Coding change: c.2143C>A on transcript NM_000388.4 (MANE Select); coding-DNA position 2143, C replaced by A.
Protein change: p.His715Asn; replaces histidine 715 with asparagine.
Molecular consequence: missense variant.
Genome position (GRCh38, 1-based): chr3:122,284,097, C>A. VCF-style: chr3-122284097-C-A. GRCh37 (hg19) VCF-style: chr3-122002944-C-A.
Other names: c.2173C>A, p.His725Asn (NM_001178065.2); short protein forms H715N, H725N.
Identifiers: ClinVar variation 1023816 (VCV001023816.11), dbSNP rs2074932182, ClinGen allele CA354158751.

ClinVar aggregate classification (germline): Uncertain significance. Review status: criteria provided, multiple submitters, no conflicts (2 of 4 stars). 2 submissions from 2 submitters: Uncertain significance (2). Last evaluated 2022-03-31.

Conditions:
Autosomal dominant hypocalcemia 1 (HYPOC1). Also called: HYPOCALCEMIA, FAMILIAL. Identifiers: MedGen C3715128, MONDO:0011013, OMIM 601198.
Familial hypocalciuric hypercalcemia (FHH). Also called: Familial benign hypercalcemia. Identifiers: Orphanet 405, MedGen C1809471, MONDO:0018458.
Nephrolithiasis/nephrocalcinosis. Identifiers: MedGen CN580796.

Submissions (2):

Ambry Genetics
Classification: Uncertain significance for Nephrolithiasis/nephrocalcinosis. Last evaluated: 2022-03-31. Review status: criteria provided, single submitter. Criteria: Ambry Variant Classification Scheme 2023. Collection method: clinical testing. Allele origin: germline.
Comment: The p.H715N variant (also known as c.2143C>A), located in coding exon 6 of the CASR gene, results from a C to A substitution at nucleotide position 2143. The histidine at codon 715 is replaced by asparagine, an amino acid with similar properties. This amino acid position is conserved. In addition, the in silico prediction for this alteration is inconclusive. Since supporting evidence is limited at this time, the clinical significance of this alteration remains unclear.

Labcorp Genetics (formerly Invitae), Labcorp
Classification: Uncertain significance for Familial hypocalciuric hypercalcemia; Autosomal dominant hypocalcemia 1. Last evaluated: 2020-09-01. Review status: criteria provided, single submitter. Criteria: Invitae Variant Classification Sherloc (09022015). Collection method: clinical testing. Allele origin: germline.
Comment: In summary, the available evidence is currently insufficient to determine the role of this variant in disease. Therefore, it has been classified as a Variant of Uncertain Significance. Algorithms developed to predict the effect of missense changes on protein structure and function are either unavailable or do not agree on the potential impact of this missense change (SIFT: "Deleterious"; PolyPhen-2: "Benign"; Align-GVGD: "Class C15"). This variant has not been reported in the literature in individuals with CASR-related conditions. This variant is not present in population databases (ExAC no frequency). This sequence change replaces histidine with asparagine at codon 715 of the CASR protein (p.His715Asn). The histidine residue is highly conserved and there is a small physicochemical difference between histidine and asparagine.